The following is an entry in ClinVar:

NM_001130823.3(DNMT1):c.1170G>C (p.Ala390=)

Gene: DNMT1 (DNA methyltransferase 1; minus strand). Cytogenetic location: 19p13.2.
Variant type: single nucleotide variant.
Coding change: c.1170G>C on transcript NM_001130823.3 (MANE Select); coding-DNA position 1170, G replaced by C.
Protein change: p.Ala390=; no amino-acid change (alanine 390 retained).
Molecular consequence: synonymous variant.
Genome position (GRCh38, 1-based): chr19:10,159,842, C>G on the plus strand (G>C on the coding strand, the complement: DNMT1 is on the minus strand). VCF-style: chr19-10159842-C-G. GRCh37 (hg19) VCF-style: chr19-10270518-C-G.
Other names: c.1122G>C, p.Ala374= (NM_001318730.2, NM_001379.4); c.807G>C, p.Ala269= (NM_001318731.2).
Identifiers: ClinVar variation 3706874 (VCV003706874.2).

ClinVar aggregate classification (germline): Uncertain significance (1 of 4 stars; one submission).

Conditions:
Hereditary sensory neuropathy-deafness-dementia syndrome. Also called: HSN IE; Hereditary sensory neuropathy type IE; NEUROPATHY, HEREDITARY SENSORY, WITH HEARING LOSS AND DEMENTIA; Hereditary Sensory and Autonomic Neuropathy Type 1E (HSAN1E). Identifiers: Orphanet 456318, MedGen C3279885, MONDO:0013584, OMIM 614116.

gnomAD v4.1: 7 of 1,614,062 alleles (0.00043%); highest among the groups gnomAD compares: South Asian, 0.0044%; no homozygotes.

Submission:

Labcorp Genetics (formerly Invitae), Labcorp
Classification: Uncertain significance for Hereditary sensory neuropathy-deafness-dementia syndrome. Last evaluated: 2024-12-18. Review status: criteria provided, single submitter. Criteria: Invitae Variant Classification Sherloc (09022015). Collection method: clinical testing. Allele origin: germline.
Comment: This sequence change affects codon 390 of the DNMT1 mRNA. It is a 'silent' change, meaning that it does not change the encoded amino acid sequence of the DNMT1 protein. This variant also falls at the last nucleotide of exon 16, which is part of the consensus splice site for this exon. This variant is present in population databases (rs564055335, gnomAD 0.006%). This variant has not been reported in the literature in individuals affected with DNMT1-related conditions. Variants that disrupt the consensus splice site are a relatively common cause of aberrant splicing (PMID: 17576681, 9536098). Algorithms developed to predict the effect of sequence changes on RNA splicing suggest that this variant is not likely to affect RNA splicing. In summary, the available evidence is currently insufficient to determine the role of this variant in disease. Therefore, it has been classified as a Variant of Uncertain Significance.

Literature cited by the submitters: PubMed 17576681; PubMed 9536098.